The following is an entry in ClinVar:

ClinVar aggregate classification (germline): Uncertain significance (1 of 4 stars; one submission).

Conditions:
Atrial fibrillation, familial, 18 (ATFB18). Identifiers: MedGen C4310636, MONDO:0015001, OMIM 617280.

gnomAD v4.1: 30 of 1,614,088 alleles (0.0019%); highest among the groups gnomAD compares: South Asian, 0.033%; no homozygotes.

Submission:

Labcorp Genetics (formerly Invitae), Labcorp
Classification: Uncertain significance for Atrial fibrillation, familial, 18. Last evaluated: 2025-07-27. Review status: criteria provided, single submitter. Criteria: Invitae Variant Classification Sherloc (09022015). Collection method: clinical testing. Allele origin: germline.
Comment: This sequence change replaces lysine, which is basic and polar, with threonine, which is neutral and polar, at codon 57 of the MYL4 protein (p.Lys57Thr). This variant is present in population databases (rs768696948, gnomAD 0.02%). This variant has not been reported in the literature in individuals affected with MYL4-related conditions. An algorithm developed to predict the effect of missense changes on protein structure and function (PolyPhen-2) suggests that this variant is likely to be disruptive. In summary, the available evidence is currently insufficient to determine the role of this variant in disease. Therefore, it has been classified as a Variant of Uncertain Significance.

NM_002476.2(MYL4):c.170A>C (p.Lys57Thr)

Gene: MYL4 (myosin light chain 4; plus strand). Cytogenetic location: 17q21.32.
Variant type: single nucleotide variant.
Coding change: c.170A>C on transcript NM_002476.2 (MANE Select); coding-DNA position 170, A replaced by C.
Protein change: p.Lys57Thr; replaces lysine 57 with threonine.
Molecular consequence: missense variant.
Genome position (GRCh38, 1-based): chr17:47,219,910, A>C. VCF-style: chr17-47219910-A-C. GRCh37 (hg19) VCF-style: chr17-45297276-A-C.
Other names: c.170A>C, p.Lys57Thr (NM_001002841.2); short protein forms K57T.
Identifiers: ClinVar variation 4749144 (VCV004749144.1).